The following is an entry in ClinVar:

NM_000045.4(ARG1):c.92T>G (p.Leu31Trp)

Genes: ARG1 (arginase 1; plus strand), MED23 (mediator complex subunit 23; minus strand). Cytogenetic location: 6q23.2.
Variant type: single nucleotide variant.
Coding change: c.92T>G on transcript NM_000045.4 (MANE Select); coding-DNA position 92, T replaced by G.
Protein change: p.Leu31Trp; replaces leucine 31 with tryptophan.
Molecular consequence: missense variant. On other transcripts: intron variant (2).
Genome position (GRCh38, 1-based): chr6:131,576,697, T>G. VCF-style: chr6-131576697-T-G. GRCh37 (hg19) VCF-style: chr6-131897837-T-G.
Other names: c.92T>G, p.Leu31Trp (NM_001244438.2, NM_001369020.1); c.4078-2402A>C (NM_001270521.2); c.4096-2402A>C (NM_015979.4); short protein forms L31W.
Identifiers: ClinVar variation 2154336 (VCV002154336.1), dbSNP rs1773630009, ClinGen allele CA365649768.

ClinVar aggregate classification (germline): Uncertain significance (1 of 4 stars; one submission).

Conditions:
Arginase deficiency. Also called: Arginase 1 Deficiency; ARGININEMIA; ARG1 DEFICIENCY. Identifiers: Orphanet 90, MedGen C0268548, MONDO:0008814, OMIM 207800.

Submission:

Labcorp Genetics (formerly Invitae), Labcorp
Classification: Uncertain significance for Arginase deficiency. Last evaluated: 2022-01-26. Review status: criteria provided, single submitter. Criteria: Invitae Variant Classification Sherloc (09022015). Collection method: clinical testing. Allele origin: germline.
Comment: This sequence change replaces leucine, which is neutral and non-polar, with tryptophan, which is neutral and slightly polar, at codon 31 of the ARG1 protein (p.Leu31Trp). This variant is not present in population databases (gnomAD no frequency). This missense change has been observed in individual(s) with Arginase deficiency (external communication). Algorithms developed to predict the effect of missense changes on protein structure and function are either unavailable or do not agree on the potential impact of this missense change (SIFT: "Deleterious"; PolyPhen-2: "Probably Damaging"; Align-GVGD: "Class C0"). In summary, the available evidence is currently insufficient to determine the role of this variant in disease. Therefore, it has been classified as a Variant of Uncertain Significance.